The following is an entry in ClinVar:

NM_001042492.3(NF1):c.4333-20A>G

Gene: NF1 (neurofibromin 1; plus strand). Cytogenetic location: 17q11.2.
Variant type: single nucleotide variant.
Coding change: c.4333-20A>G on transcript NM_001042492.3 (MANE Select); 20 bases into the intron before coding-DNA position 4333, A replaced by G.
Molecular consequence: intron variant.
Genome position (GRCh38, 1-based): chr17:31,259,012, A>G. VCF-style: chr17-31259012-A-G. GRCh37 (hg19) VCF-style: chr17-29586030-A-G.
Other names: c.4270-20A>G (NM_000267.4).
Identifiers: ClinVar variation 1579171 (VCV001579171.9), dbSNP rs2151462882, ClinGen allele CA2573153616.

ClinVar aggregate classification (germline): Likely benign. Review status: criteria provided, multiple submitters, no conflicts (2 of 4 stars). 2 submissions from 2 submitters: Likely benign (2). Last evaluated 2026-05-13.

Conditions:
Neurofibromatosis, type 1 (NF1). Also called: VON RECKLINGHAUSEN DISEASE; Neurofibromatosis, type I; NEUROFIBROMATOSIS, TYPE I, SOMATIC; Peripheral type neurofibromatosis. Identifiers: Orphanet 636, MedGen C0027831, MONDO:0018975, OMIM 162200. Disease mechanism: loss of function.

Submissions (2):

Myriad Genetics, Inc.
Classification: Likely benign for Neurofibromatosis, type 1. Last evaluated: 2026-05-13. Review status: criteria provided, single submitter. Criteria: Myriad Autosomal Dominant, Autosomal Recessive and X-Linked Classification Criteria (2023). Collection method: clinical testing. Allele origin: unknown.
Comment: This variant is considered likely benign. This variant is intronic and is not expected to impact mRNA splicing.

Labcorp Genetics (formerly Invitae), Labcorp
Classification: Likely benign for Neurofibromatosis, type 1. Last evaluated: 2025-11-11. Review status: criteria provided, single submitter. Criteria: Invitae Variant Classification Sherloc (09022015). Collection method: clinical testing. Allele origin: germline.